The following is an entry in ClinVar:

ClinVar aggregate classification (germline): Uncertain significance (1 of 4 stars; one submission).

Allele frequency attached by ClinVar (database versions not stated): gnomAD exomes below 0.00001 and 0.00001; gnomAD 0.00001; TOPMed 0.00001.
gnomAD v4.1: 10 of 1,611,526 alleles (0.00062%); highest among the groups gnomAD compares: Non-Finnish European, 0.00085%; no homozygotes.

Submission:

Labcorp Genetics (formerly Invitae), Labcorp
Classification: Uncertain significance. Last evaluated: 2024-10-24. Review status: criteria provided, single submitter. Criteria: Invitae Variant Classification Sherloc (09022015). Collection method: clinical testing. Allele origin: germline.
Comment: This sequence change replaces glutamic acid, which is acidic and polar, with lysine, which is basic and polar, at codon 291 of the USH1G protein (p.Glu291Lys). This variant is present in population databases (no rsID available, gnomAD 0.0009%). This variant has not been reported in the literature in individuals affected with USH1G-related conditions. ClinVar contains an entry for this variant (Variation ID: 1059385). Invitae Evidence Modeling of protein sequence and biophysical properties (such as structural, functional, and spatial information, amino acid conservation, physicochemical variation, residue mobility, and thermodynamic stability) indicates that this missense variant is not expected to disrupt USH1G protein function with a negative predictive value of 80%. In summary, the available evidence is currently insufficient to determine the role of this variant in disease. Therefore, it has been classified as a Variant of Uncertain Significance.

NM_173477.5(USH1G):c.871G>A (p.Glu291Lys)

Gene: USH1G (USH1 protein network component sans; minus strand). Cytogenetic location: 17q25.1.
Variant type: single nucleotide variant.
Coding change: c.871G>A on transcript NM_173477.5 (MANE Select); coding-DNA position 871, G replaced by A.
Protein change: p.Glu291Lys; replaces glutamic acid 291 with lysine.
Molecular consequence: missense variant.
Genome position (GRCh38, 1-based): chr17:74,919,965, C>T on the plus strand (G>A on the coding strand, the complement: USH1G is on the minus strand). VCF-style: chr17-74919965-C-T. GRCh37 (hg19) VCF-style: chr17-72916060-C-T.
Other names: c.562G>A, p.Glu188Lys (NM_001282489.3); short protein forms E188K, E291K.
Identifiers: ClinVar variation 1059385 (VCV001059385.8), dbSNP rs1477384047, ClinGen allele CA400962838.